The following is an entry in ClinVar:

ClinVar aggregate classification (germline): Uncertain significance (1 of 4 stars; one submission).

Submission:

Greenwood Genetic Center Diagnostic Laboratories, Greenwood Genetic Center
Classification: Uncertain significance. Last evaluated: 2025-04-10. Review status: criteria provided, single submitter. Criteria: ACMG Guidelines, 2015. Collection method: clinical testing. Allele origin: germline. Affected: yes.
Comment: PM2

NM_014727.3(KMT2B):c.3301C>T (p.Pro1101Ser)

Gene: KMT2B (lysine methyltransferase 2B; plus strand). Cytogenetic location: 19q13.12.
Variant type: single nucleotide variant.
Coding change: c.3301C>T on transcript NM_014727.3 (MANE Select); coding-DNA position 3301, C replaced by T.
Protein change: p.Pro1101Ser; replaces proline 1101 with serine.
Molecular consequence: missense variant.
Genome position (GRCh38, 1-based): chr19:35,723,974, C>T. VCF-style: chr19-35723974-C-T. GRCh37 (hg19) VCF-style: chr19-36214875-C-T.
Other names: short protein forms P1101S.
Identifiers: ClinVar variation 4538312 (VCV004538312.1).